The following is an entry in ClinVar:

ClinVar aggregate classification (germline): Pathogenic (1 of 4 stars; one submission).

Conditions:
CEP290-related ciliopathy. Also called: CEP290 ciliopathy. Identifiers: MedGen CN305601, MONDO:0100451.

Submission:

Myriad Genetics, Inc.
Classification: Pathogenic for CEP290-related ciliopathy. Last evaluated: 2025-08-23. Review status: criteria provided, single submitter. Criteria: Myriad Autosomal Dominant, Autosomal Recessive and X-Linked Classification Criteria (2023). Collection method: clinical testing. Allele origin: unknown.
Comment: NM_025114.3(CEP290):c.3153_3156delCATT(D1051Efs*8) is expected to be pathogenic in the context of CEP290-related disorders. This variant is predicted to lead to an abnormal or absent protein product due to the creation of a premature termination codon in CEP290, a gene where loss-of-function variants are known to be pathogenic. Please note: this variant was assessed in the context of healthy population screening.

NM_025114.4(CEP290):c.3153_3156del (p.Asp1051fs)

Gene: CEP290 (centrosomal protein 290; minus strand). Cytogenetic location: 12q21.32.
Variant type: Deletion.
Coding change: c.3153_3156del on transcript NM_025114.4 (MANE Select); coding-DNA positions 3153 to 3156, 4 bases deleted (CATT; older notation c.3153_3156delCATT).
Protein change: p.Asp1051fs; shifts the reading frame from aspartic acid 1051.
Molecular consequence: frameshift variant.
Genome position (GRCh38, 1-based): chr12:88,093,923-88,093,926, AATG deleted on the plus strand (CATT on the coding strand, the reverse complement: CEP290 is on the minus strand). VCF-style (leftmost placement, unchanged base first): chr12-88093922-CAATG-C. GRCh37 (hg19) VCF-style: chr12-88487699-CAATG-C.
Other names: short protein forms D1051fs.
Identifiers: ClinVar variation 5014908 (VCV005014908.1).